The following is an entry in ClinVar:

ClinVar aggregate classification (germline): Uncertain significance. Review status: criteria provided, single submitter (1 of 4 stars). 2 submissions from 2 submitters: Uncertain significance (1). 1 of the submissions does not count toward it. Last evaluated 2021-07-26.

Conditions:
Noonan syndrome 9 (NS9). Identifiers: Orphanet 648, MedGen C4225282, MONDO:0014691, OMIM 616559.

gnomAD v4.1: 2 of 1,534,366 alleles (0.00013%); highest among the groups gnomAD compares: Non-Finnish European, 0.00018%; no homozygotes.

Submissions (2):

Labcorp Genetics (formerly Invitae), Labcorp
Classification: Uncertain significance for Noonan syndrome 9. Last evaluated: 2021-07-26. Review status: criteria provided, single submitter. Criteria: Invitae Variant Classification Sherloc (09022015). Collection method: clinical testing. Allele origin: germline.
Comment: In summary, the available evidence is currently insufficient to determine the role of this variant in disease. Therefore, it has been classified as a Variant of Uncertain Significance. Advanced modeling of protein sequence and biophysical properties (such as structural, functional, and spatial information, amino acid conservation, physicochemical variation, residue mobility, and thermodynamic stability) performed at Invitae indicates that this missense variant is not expected to disrupt SOS2 protein function. This variant has not been reported in the literature in individuals affected with SOS2-related conditions. This variant is not present in population databases (ExAC no frequency). This sequence change replaces alanine with threonine at codon 317 of the SOS2 protein (p.Ala317Thr). The alanine residue is moderately conserved and there is a small physicochemical difference between alanine and threonine.

Zotz-Klimas Genetics Lab, MVZ Zotz Klimas
Classification: Uncertain significance for Noonan syndrome 9. Last evaluated: 2023-10-09. Review status: no assertion criteria provided. Collection method: clinical testing. Allele origin: germline. Affected: yes. Not counted in ClinVar's aggregate classification.

NM_006939.4(SOS2):c.949G>A (p.Ala317Thr)

Gene: SOS2 (SOS Ras/Rho guanine nucleotide exchange factor 2; minus strand). Cytogenetic location: 14q21.3.
Variant type: single nucleotide variant.
Coding change: c.949G>A on transcript NM_006939.4 (MANE Select); coding-DNA position 949, G replaced by A.
Protein change: p.Ala317Thr; replaces alanine 317 with threonine.
Molecular consequence: missense variant.
Genome position (GRCh38, 1-based): chr14:50,180,592, C>T on the plus strand (G>A on the coding strand, the complement: SOS2 is on the minus strand). VCF-style: chr14-50180592-C-T. GRCh37 (hg19) VCF-style: chr14-50647310-C-T.
Other names: short protein forms A317T.
Identifiers: ClinVar variation 1413878 (VCV001413878.8), dbSNP rs2139702095, ClinGen allele CA389646937.